The following is an entry in ClinVar:

NM_000531.6(OTC):c.526T>C (p.Tyr176His)

Gene: OTC (ornithine transcarbamylase; plus strand). Cytogenetic location: Xp11.4.
Variant type: single nucleotide variant.
Coding change: c.526T>C on transcript NM_000531.6 (MANE Select); coding-DNA position 526, T replaced by C.
Protein change: p.Tyr176His; replaces tyrosine 176 with histidine.
Molecular consequence: missense variant.
Genome position (GRCh38, 1-based): chrX:38,401,414, T>C. VCF-style: chrX-38401414-T-C. GRCh37 (hg19) VCF-style: chrX-38260667-T-C.
Other names: short protein forms Y176H.
Identifiers: ClinVar variation 97234 (VCV000097234.2), dbSNP rs72556282, ClinGen allele CA224663.

ClinVar aggregate classification (germline): Pathogenic (0 of 4 stars; one submission).

Submission:

GenMed Metabolism Lab
Classification: Pathogenic. Review status: no assertion criteria provided. Collection method: not provided. Allele origin: unknown.
Comment: p.Tyr176His, Neonatal
ClinVar note: Converted during submission from pathogenic to Pathogenic.